The following is an entry in ClinVar:

NM_016203.4(PRKAG2):c.754+14G>T

Genes: PRKAG2 (protein kinase AMP-activated non-catalytic subunit gamma 2; minus strand), LOC129999660 (ATAC-STARR-seq lymphoblastoid silent region 18823; plus strand). Cytogenetic location: 7q36.1.
Variant type: single nucleotide variant.
Coding change: c.754+14G>T on transcript NM_016203.4 (MANE Select); 14 bases into the intron after coding-DNA position 754, G replaced by T.
Molecular consequence: intron variant.
Genome position (GRCh38, 1-based): chr7:151,632,055, C>A on the plus strand (G>T on the coding strand, the complement: PRKAG2 is on the minus strand). VCF-style: chr7-151632055-C-A. GRCh37 (hg19) VCF-style: chr7-151329141-C-A.
Other names: c.622+14G>T (NM_001040633.2); c.382+14G>T (NM_001304527.2, NM_001363698.2); c.31+14G>T (NM_001304531.2, NM_024429.2).
Identifiers: ClinVar variation 516871 (VCV000516871.9), dbSNP rs1554507743, ClinGen allele CA578725035.
Genomic context (GRCh38, chr7:151,632,055, plus strand): 5'-GTCCCCGCGGGTCCCGGTCCTCGGGCGGCCGGGCCGTGGGAGCGCCGGGCCGGCAGCGGG[C>A]GGGGCGCACTCACCTTCGTCCTCGAACTCCAGCTTCTCCAGCATGCCGGCTTCCGCGGGT-3'

ClinVar aggregate classification (germline): Likely benign. Review status: criteria provided, multiple submitters, no conflicts (2 of 4 stars). 2 submissions from 2 submitters: Likely benign (2). Last evaluated 2024-11-11.

Conditions:
Lethal congenital glycogen storage disease of heart. Also called: GLYCOGEN STORAGE DISEASE OF HEART; PHOSPHORYLASE KINASE DEFICIENCY OF HEART. Identifiers: Orphanet 439854, MedGen C1849813, MONDO:0009867, OMIM 261740.

Allele frequency attached by ClinVar (database versions not stated): gnomAD 0.00001.

Submissions (2):

Labcorp Genetics (formerly Invitae), Labcorp
Classification: Likely benign for Lethal congenital glycogen storage disease of heart. Last evaluated: 2024-11-11. Review status: criteria provided, single submitter. Criteria: Invitae Variant Classification Sherloc (09022015). Collection method: clinical testing. Allele origin: germline.

GeneDx
Classification: Likely benign. Last evaluated: 2017-08-09. Review status: criteria provided, single submitter. Criteria: GeneDx Variant Classification (06012015). Collection method: clinical testing. Allele origin: germline. Affected: yes.
Comment: This variant is considered likely benign or benign based on one or more of the following criteria: it is a conservative change, it occurs at a poorly conserved position in the protein, it is predicted to be benign by multiple in silico algorithms, and/or has population frequency not consistent with disease.